The following is an entry in ClinVar:

ClinVar aggregate classification (germline): Uncertain significance (1 of 4 stars; one submission).

Conditions:
Leukocyte adhesion deficiency 3. Also called: INTEGRIN ACTIVATION DEFICIENCY DISEASE; LEUKOCYTE ADHESION DEFICIENCY 1 VARIANT; Leukocyte adhesion deficiency, type III. Identifiers: Orphanet 2968, Orphanet 99844, MedGen C2748536, MONDO:0013016, OMIM 612840.

Allele frequency attached by ClinVar (database versions not stated): ExAC 0.00003; gnomAD exomes 0.00004; gnomAD 0.00006; TOPMed 0.00008; 1000 Genomes Project 30x 0.00016; 1000 Genomes Project 0.00020.
gnomAD v4.1: 106 of 1,614,148 alleles (0.0066%); highest among the groups gnomAD compares: Admixed American, 0.0083%; no homozygotes.

Submission:

Labcorp Genetics (formerly Invitae), Labcorp
Classification: Uncertain significance for Leukocyte adhesion deficiency 3. Last evaluated: 2022-09-27. Review status: criteria provided, single submitter. Criteria: Invitae Variant Classification Sherloc (09022015). Collection method: clinical testing. Allele origin: germline.
Comment: This sequence change replaces arginine, which is basic and polar, with tryptophan, which is neutral and slightly polar, at codon 103 of the FERMT3 protein (p.Arg103Trp). This variant is present in population databases (rs572874105, gnomAD 0.009%). This variant has not been reported in the literature in individuals affected with FERMT3-related conditions. ClinVar contains an entry for this variant (Variation ID: 1348706). Advanced modeling of protein sequence and biophysical properties (such as structural, functional, and spatial information, amino acid conservation, physicochemical variation, residue mobility, and thermodynamic stability) performed at Invitae indicates that this missense variant is not expected to disrupt FERMT3 protein function. In summary, the available evidence is currently insufficient to determine the role of this variant in disease. Therefore, it has been classified as a Variant of Uncertain Significance.

NM_031471.6(FERMT3):c.307C>T (p.Arg103Trp)

Gene: FERMT3 (FERM domain containing kindlin 3; plus strand). Cytogenetic location: 11q13.1.
Variant type: single nucleotide variant.
Coding change: c.307C>T on transcript NM_031471.6 (MANE Select); coding-DNA position 307, C replaced by T.
Protein change: p.Arg103Trp; replaces arginine 103 with tryptophan.
Molecular consequence: missense variant. On other transcripts: 5 prime UTR variant (2).
Genome position (GRCh38, 1-based): chr11:64,210,757, C>T. VCF-style: chr11-64210757-C-T. GRCh37 (hg19) VCF-style: chr11-63978229-C-T.
Other names: c.307C>T, p.Arg103Trp (NM_001382361.1, NM_001382362.1, NM_001382448.1 and 1 more transcripts); c.-234C>T (NM_001382363.1, NM_001382364.1); short protein forms R103W.
Identifiers: ClinVar variation 1348706 (VCV001348706.3), dbSNP rs572874105, ClinGen allele CA6068702.